The following is an entry in ClinVar:

NM_000204.5(CFI):c.134_135del (p.Lys45fs)

Gene: CFI (complement factor I; minus strand). Cytogenetic location: 4q25.
Variant type: Deletion.
Coding change: c.134_135del on transcript NM_000204.5 (MANE Select); coding-DNA positions 134 to 135, 2 bases deleted (AA; older notation c.134_135delAA).
Protein change: p.Lys45fs; shifts the reading frame from lysine 45.
Molecular consequence: frameshift variant. On other transcripts: non-coding transcript variant (3), intron variant (1).
Genome position (GRCh38, 1-based): chr4:109,766,747-109,766,748, TT deleted on the plus strand (AA on the coding strand, the reverse complement: CFI is on the minus strand); deleting any 2 consecutive bases within chr4:109,766,747-109,766,749 gives the same sequence; the c. name uses the placement nearest the transcript's 3' end. VCF-style (leftmost placement, unchanged base first): chr4-109766746-CTT-C. GRCh37 (hg19) VCF-style: chr4-110687902-CTT-C.
Other names: c.134_135del, p.Lys45fs (NM_001318057.2, NM_001331035.2, NM_001375278.1 and 10 more transcripts); c.-127-5056_-127-5055del (NM_001375284.1); short protein forms K45fs.
Identifiers: ClinVar variation 4280488 (VCV004280488.1).

ClinVar aggregate classification (germline): Pathogenic, low penetrance (1 of 4 stars; one submission).

Conditions:
CFI-related disorder. Also called: CFI-related condition; CFI-related disorders. Identifiers: MedGen CN239325.

Submission:

Genomenon, Inc
Classification: Pathogenic, low penetrance for CFI-related disorder. Last evaluated: 2025-09-26. Review status: criteria provided, single submitter. Criteria: Genomenon Sequence Variant Interpretation Standards - Updated. Collection method: curation. Allele origin: germline. Affected: yes.
Comment: CFI p.Lys45SerfsTer11 (c.134_135del) is a frameshift variant that results in the production of a truncated protein which is predicted to undergo nonsense-mediated mRNA decay. This variant has been observed in at least one proband affected with complement factor I deficiency (PMID:21316765). At least one functional study has demonstrated a substantial alteration in protein function relative to the wild-type (PMID:21316765). It is absent or not present at a significant frequency in gnomAD. In conclusion, we classify CFI p.Lys45SerfsTer11 (c.134_135del) as a pathogenic, low penetrance variant.

Literature cited by the submitters: PubMed 21316765.